The following is an entry in ClinVar:

ClinVar aggregate classification (germline): Conflicting classifications of pathogenicity. Review status: criteria provided, conflicting classifications (1 of 4 stars). 4 submissions from 4 submitters: Uncertain significance (1); Likely benign (2). 1 of the submissions does not count toward it. Last evaluated 2025-11-01.

Conditions:
SRCAP-related disorder. Also called: SRCAP-related condition.

Allele frequency attached by ClinVar (database versions not stated): ExAC 0.00002; TOPMed 0.00002; gnomAD 0.00004; gnomAD exomes 0.00012.
gnomAD v4.1: 180 of 1,613,962 alleles (0.011%); highest among the groups gnomAD compares: Non-Finnish European, 0.015%; no homozygotes.

Submissions (4):

CeGaT Center for Human Genetics Tuebingen
Classification: Likely benign. Last evaluated: 2025-11-01. Review status: criteria provided, single submitter. Criteria: CeGaT Center For Human Genetics Tuebingen Variant Classification Criteria Version 2. Collection method: clinical testing. Allele origin: germline. Affected: yes. Observed: 1 variant allele.
Comment: SRCAP: BS1

Labcorp Genetics (formerly Invitae), Labcorp
Classification: Uncertain significance. Last evaluated: 2023-04-20. Review status: criteria provided, single submitter. Criteria: Invitae Variant Classification Sherloc (09022015). Collection method: clinical testing. Allele origin: germline.
Comment: In summary, the available evidence is currently insufficient to determine the role of this variant in disease. Therefore, it has been classified as a Variant of Uncertain Significance. Advanced modeling of protein sequence and biophysical properties (such as structural, functional, and spatial information, amino acid conservation, physicochemical variation, residue mobility, and thermodynamic stability) performed at Invitae indicates that this missense variant is not expected to disrupt SRCAP protein function. ClinVar contains an entry for this variant (Variation ID: 160036). This variant has not been reported in the literature in individuals affected with SRCAP-related conditions. This variant is present in population databases (rs587784443, gnomAD 0.006%). This sequence change replaces leucine, which is neutral and non-polar, with proline, which is neutral and non-polar, at codon 1768 of the SRCAP protein (p.Leu1768Pro).

Genetic Services Laboratory, University of Chicago
Classification: Likely benign. Last evaluated: 2013-09-03. Review status: criteria provided, single submitter. Criteria: ACMG Guidelines, 2007. Collection method: clinical testing. Allele origin: germline. Inheritance: Autosomal dominant inheritance.

PreventionGenetics, part of Exact Sciences
Classification: Likely benign for SRCAP-related condition. Last evaluated: 2024-05-06. Review status: no assertion criteria provided. Collection method: clinical testing. Allele origin: germline. Not counted in ClinVar's aggregate classification.
Comment: This variant is classified as likely benign based on ACMG/AMP sequence variant interpretation guidelines (Richards et al. 2015 PMID: 25741868, with internal and published modifications).

NM_006662.3(SRCAP):c.5303T>C (p.Leu1768Pro)

Gene: SRCAP (Snf2 related CREBBP activator protein; plus strand). Cytogenetic location: 16p11.2.
Variant type: single nucleotide variant.
Coding change: c.5303T>C on transcript NM_006662.3 (MANE Select); coding-DNA position 5303, T replaced by C.
Protein change: p.Leu1768Pro; replaces leucine 1768 with proline.
Molecular consequence: missense variant.
Genome position (GRCh38, 1-based): chr16:30,724,727, T>C. VCF-style: chr16-30724727-T-C. GRCh37 (hg19) VCF-style: chr16-30736048-T-C.
Other names: short protein forms L1768P.
Identifiers: ClinVar variation 160036 (VCV000160036.18), dbSNP rs587784443, ClinGen allele CA173605.